The following is an entry in ClinVar:

ClinVar aggregate classification (germline): Uncertain significance (1 of 4 stars; one submission).

Submission:

GeneDx
Classification: Uncertain significance. Last evaluated: 2026-02-20. Review status: criteria provided, single submitter. Criteria: GeneDx Variant Classification Process June 2021. Collection method: clinical testing. Allele origin: germline.
Comment: Not observed at significant frequency in large population cohorts (gnomAD); In silico analysis supports that this missense variant has a deleterious effect on protein structure/function; Has not been previously published as pathogenic or benign to our knowledge

NM_001256071.3(RNF213):c.13409T>C (p.Phe4470Ser)

Genes: RNF213 (ring finger protein 213; plus strand), RNF213-AS1 (RNF213 antisense RNA 1; minus strand). Cytogenetic location: 17q25.3.
Variant type: single nucleotide variant.
Coding change: c.13409T>C on transcript NM_001256071.3 (MANE Select); coding-DNA position 13409, T replaced by C.
Protein change: p.Phe4470Ser; replaces phenylalanine 4470 with serine.
Molecular consequence: missense variant.
Genome position (GRCh38, 1-based): chr17:80,376,524, T>C. VCF-style: chr17-80376524-T-C. GRCh37 (hg19) VCF-style: chr17-78350324-T-C.
Other names: c.13556T>C, p.Phe4519Ser (NM_001410195.1, NM_020914.5); short protein forms F4470S, F4519S.
Identifiers: ClinVar variation 5009886 (VCV005009886.1).